The following is an entry in ClinVar:

NM_000369.5(TSHR):c.1115A>C (p.Asn372Thr)

Genes: TSHR (thyroid stimulating hormone receptor; plus strand), TSHR-AS1 (TSHR antisense RNA 1; minus strand). Cytogenetic location: 14q31.1.
Variant type: single nucleotide variant.
Coding change: c.1115A>C on transcript NM_000369.5 (MANE Select); coding-DNA position 1115, A replaced by C.
Protein change: p.Asn372Thr; replaces asparagine 372 with threonine.
Molecular consequence: missense variant.
Genome position (GRCh38, 1-based): chr14:81,143,173, A>C. VCF-style: chr14-81143173-A-C. GRCh37 (hg19) VCF-style: chr14-81609517-A-C.
Other names: short protein forms N372T.
Identifiers: ClinVar variation 2387997 (VCV002387997.3), dbSNP rs1204330294, ClinGen allele CA7294390.

ClinVar aggregate classification (germline): Uncertain significance. Review status: criteria provided, multiple submitters, no conflicts (2 of 4 stars). 2 submissions from 2 submitters: Uncertain significance (2). Last evaluated 2025-04-17.

Conditions:
TSHR-related disorder. Also called: TSHR-related condition; TSHR-related disorders.
Inborn genetic diseases. Identifiers: MedGen C0950123, MeSH D030342.

Allele frequency attached by ClinVar (database versions not stated): gnomAD 0.00002; TOPMed 0.00002; gnomAD exomes 0.00004; ExAC 0.00007.
gnomAD v4.1: 58 of 1,614,008 alleles (0.0036%); highest among the groups gnomAD compares: South Asian, 0.041%; no homozygotes.

Submissions (2):

PreventionGenetics, part of Exact Sciences
Classification: Uncertain significance for TSHR-related condition. Last evaluated: 2025-04-17. Review status: criteria provided, single submitter. Criteria: ACMG Guidelines, 2015. Collection method: clinical testing. Allele origin: germline.
Comment: The TSHR c.1115A>C variant is predicted to result in the amino acid substitution p.Asn372Thr. This variant has been reported in an individual with hyperthyroidism who also harbored a somatic, gain-of-function variant (p.Ser281Asn) on the opposite allele; however, the p.Asn372Thr variant was also present in multiple family members with normal thyroid function (Gozu et al. 2008. PubMed ID: 18466076). This variant has also been observed in a cohort of Chinese individuals with hyperthyroidism (Sun et al. 2018. PubMed ID: 29650690). While one in vitro functional study in transformed COS-7 cells did not identify significant differences in cell surface expression or cAMP production for TSHR with the p.Asn372Thr variant compared to wild type (Gozu et al. 2008. PubMed ID: 18466076), another study in HEK293 cells reported moderately decreased cAMP production and Gq/11 signaling (Fang et al. 2019. PubMed ID: 31356790). This variant is reported in 0.056% of alleles in individuals of South Asian descent in gnomAD, which may be too frequent to be a primary cause of disease. Although we suspect that this variant may be benign, at this time, the clinical significance of this variant is uncertain due to the absence of conclusive functional and genetic evidence.

Ambry Genetics
Classification: Uncertain significance for Inborn genetic diseases. Last evaluated: 2022-02-15. Review status: criteria provided, single submitter. Criteria: Ambry Variant Classification Scheme 2023. Collection method: clinical testing. Allele origin: germline.
Comment: Unlikely to be causative of nonautoimmune hyperthyroidism (AD) Based on insufficient or conflicting evidence, the clinical significance of this alteration remains unclear.